The following is an entry in ClinVar:

NM_004991.4(MECOM):c.2171C>T (p.Pro724Leu)

Gene: MECOM (MDS1 and EVI1 complex locus; minus strand). Cytogenetic location: 3q26.2.
Variant type: single nucleotide variant.
Coding change: c.2171C>T on transcript NM_004991.4 (MANE Select); coding-DNA position 2171, C replaced by T.
Protein change: p.Pro724Leu; replaces proline 724 with leucine.
Molecular consequence: missense variant.
Genome position (GRCh38, 1-based): chr3:169,115,701, G>A on the plus strand (C>T on the coding strand, the complement: MECOM is on the minus strand). VCF-style: chr3-169115701-G-A. GRCh37 (hg19) VCF-style: chr3-168833489-G-A.
Other names: c.1802C>T, p.Pro601Leu (NM_001105077.4); c.1607C>T, p.Pro536Leu (NM_001105078.4, NM_001164000.2, NM_001205194.2 and 4 more transcripts); c.1610C>T, p.Pro537Leu (NM_001163999.2, NM_001366467.2, NM_001366468.2 and 1 more transcripts); c.2171C>T, p.Pro724Leu (NM_001366466.2); c.1199C>T, p.Pro400Leu (NM_001366473.2); c.635C>T, p.Pro212Leu (NM_001366474.2); short protein forms P400L, P601L, P212L, P537L, P536L, P724L.
Identifiers: ClinVar variation 2548121 (VCV002548121.3), dbSNP rs1445497565, ClinGen allele CA355085720.

ClinVar aggregate classification (germline): Uncertain significance (1 of 4 stars; one submission).

Conditions:
Inborn genetic diseases. Identifiers: MedGen C0950123, MeSH D030342.

Allele frequency attached by ClinVar (database versions not stated): gnomAD exomes below 0.00001.
gnomAD v4.1: 3 of 1,614,100 alleles (0.00019%); highest among the groups gnomAD compares: East Asian, 0.0022%; no homozygotes.

Submission:

Ambry Genetics
Classification: Uncertain significance for Inborn genetic diseases. Last evaluated: 2025-06-06. Review status: criteria provided, single submitter. Criteria: Ambry Variant Classification Scheme 2023. Collection method: clinical testing. Allele origin: germline.
Comment: The p.P724L variant (also known as c.2171C>T), located in coding exon 8 of the MECOM gene, results from a C to T substitution at nucleotide position 2171. The proline at codon 724 is replaced by leucine, an amino acid with similar properties. This amino acid position is conserved. In addition, the in silico prediction for this alteration is inconclusive. Based on the available evidence, the clinical significance of this variant remains unclear.